The following is an entry in ClinVar:

ClinVar aggregate classification (germline): Uncertain significance (1 of 4 stars; one submission).

Conditions:
Familial cold autoinflammatory syndrome 2 (FCAS2). Identifiers: Orphanet 247868, MedGen C2673198, MONDO:0012724, OMIM 611762.

Submission:

Labcorp Genetics (formerly Invitae), Labcorp
Classification: Uncertain significance for Familial cold autoinflammatory syndrome 2. Last evaluated: 2022-09-21. Review status: criteria provided, single submitter. Criteria: Invitae Variant Classification Sherloc (09022015). Collection method: clinical testing. Allele origin: germline.
Comment: In summary, the available evidence is currently insufficient to determine the role of this variant in disease. Therefore, it has been classified as a Variant of Uncertain Significance. Advanced modeling of protein sequence and biophysical properties (such as structural, functional, and spatial information, amino acid conservation, physicochemical variation, residue mobility, and thermodynamic stability) performed at Invitae indicates that this missense variant is not expected to disrupt NLRP12 protein function. This variant has not been reported in the literature in individuals affected with NLRP12-related conditions. This variant is not present in population databases (gnomAD no frequency). This sequence change replaces glutamine, which is neutral and polar, with lysine, which is basic and polar, at codon 607 of the NLRP12 protein (p.Gln607Lys).

NM_144687.4(NLRP12):c.1819C>A (p.Gln607Lys)

Gene: NLRP12 (NLR family pyrin domain containing 12; minus strand). Cytogenetic location: 19q13.42.
Variant type: single nucleotide variant.
Coding change: c.1819C>A on transcript NM_144687.4 (MANE Select); coding-DNA position 1819, C replaced by A.
Protein change: p.Gln607Lys; replaces glutamine 607 with lysine.
Molecular consequence: missense variant.
Genome position (GRCh38, 1-based): chr19:53,809,840, G>T on the plus strand (C>A on the coding strand, the complement: NLRP12 is on the minus strand). VCF-style: chr19-53809840-G-T. GRCh37 (hg19) VCF-style: chr19-54313094-G-T.
Other names: c.1819C>A, p.Gln607Lys (NM_001277126.2, NM_001277129.1); short protein forms Q607K.
Identifiers: ClinVar variation 2165564 (VCV002165564.4), dbSNP rs2514332349, ClinGen allele CA407412464.